The following is an entry in ClinVar:

NM_000807.4(GABRA2):c.349A>G (p.Met117Val)

Gene: GABRA2 (gamma-aminobutyric acid type A receptor subunit alpha2; minus strand). Cytogenetic location: 4p12.
Variant type: single nucleotide variant.
Coding change: c.349A>G on transcript NM_000807.4 (MANE Select); coding-DNA position 349, A replaced by G.
Protein change: p.Met117Val; replaces methionine 117 with valine.
Molecular consequence: missense variant.
Genome position (GRCh38, 1-based): chr4:46,312,623, T>C on the plus strand (A>G on the coding strand, the complement: GABRA2 is on the minus strand). VCF-style: chr4-46312623-T-C. GRCh37 (hg19) VCF-style: chr4-46314640-T-C.
Other names: c.349A>G, p.Met117Val (NM_001114175.3, NM_001330690.2, NM_001377144.1 and 8 more transcripts); c.184A>G, p.Met62Val (NM_001286827.3, NM_001377152.1, NM_001377153.1 and 1 more transcripts); short protein forms M117V, M62V.
Identifiers: ClinVar variation 1714751 (VCV001714751.5), dbSNP rs2475692817, ClinGen allele CA356800054.
Genomic context (GRCh38, chr4:46,312,623, plus strand): 5'-GAGCTACTGATTTTTTCCCATTGTGAAAAAAGGTATCTGGAGTCCAGATTTTGCTAGCCA[T>C]TAAATTGTTTAGTCGAAGGATATTCATAGGACCTTTAAATTTTAAACGTTCATCTTTCCA-3'
Protein context (NP_000798.2, residues 107-127): PMNILRLNNL[Met117Val]ASKIWTPDTF

ClinVar aggregate classification (germline): Uncertain significance (1 of 4 stars; one submission).

Submission:

Labcorp Genetics (formerly Invitae), Labcorp
Classification: Uncertain significance. Last evaluated: 2022-08-01. Review status: criteria provided, single submitter. Criteria: Invitae Variant Classification Sherloc (09022015). Collection method: clinical testing. Allele origin: germline.
Comment: In summary, the available evidence is currently insufficient to determine the role of this variant in disease. Therefore, it has been classified as a Variant of Uncertain Significance. Algorithms developed to predict the effect of missense changes on protein structure and function are either unavailable or do not agree on the potential impact of this missense change (SIFT: "Not Available"; PolyPhen-2: "Possibly Damaging"; Align-GVGD: "Not Available"). This variant has not been reported in the literature in individuals affected with GABRA2-related conditions. This variant is not present in population databases (gnomAD no frequency). This sequence change replaces methionine, which is neutral and non-polar, with valine, which is neutral and non-polar, at codon 117 of the GABRA2 protein (p.Met117Val).